The following is an entry in ClinVar:

NM_001040108.2(MLH3):c.3958A>T (p.Arg1320Ter)

Gene: MLH3 (mutL homolog 3; minus strand). Cytogenetic location: 14q24.3.
Variant type: single nucleotide variant.
Coding change: c.3958A>T on transcript NM_001040108.2 (MANE Select); coding-DNA position 3958, A replaced by T.
Protein change: p.Arg1320Ter; replaces arginine 1320 with a stop codon.
Molecular consequence: nonsense.
Genome position (GRCh38, 1-based): chr14:75,030,572, T>A on the plus strand (A>T on the coding strand, the complement: MLH3 is on the minus strand). VCF-style: chr14-75030572-T-A. GRCh37 (hg19) VCF-style: chr14-75497275-T-A.
Other names: c.3886A>T, p.Arg1296Ter (NM_014381.3); short protein forms R1296*, R1320*.
Identifiers: ClinVar variation 4876056 (VCV004876056.1).

ClinVar aggregate classification (germline): Pathogenic (1 of 4 stars; one submission).

Conditions:
Colorectal cancer, hereditary nonpolyposis, type 7. Identifiers: Orphanet 144, MedGen C1858380, MONDO:0013725, OMIM 614385.

Submission:

Myriad Genetics, Inc.
Classification: Pathogenic for Colorectal cancer, hereditary nonpolyposis, type 7. Last evaluated: 2026-05-18. Review status: criteria provided, single submitter. Criteria: Myriad Autosomal Dominant, Autosomal Recessive and X-Linked Classification Criteria (2023). Collection method: clinical testing. Allele origin: unknown.
Comment: This variant is considered pathogenic. This variant creates a termination codon and is predicted to result in premature protein truncation.